The following is an entry in ClinVar:

NC_000011.9:g.(108150336_108151721)_(108239830_?)del

Gene: ATM (ATM serine/threonine kinase; plus strand). Cytogenetic location: 11q22.3.
Variant type: Deletion.
Identifiers: ClinVar variation 4849130 (VCV004849130.1).

ClinVar aggregate classification (germline): Pathogenic (1 of 4 stars; one submission).

Conditions:
Malignant tumor of breast. Also called: Malignant breast neoplasm; Cancer breast. Identifiers: MedGen C0006142, MONDO:0007254. Disease mechanism: loss of function.

Submission:

Women's Health and Genetics/Laboratory Corporation of America, LabCorp
Classification: Pathogenic for Malignant tumor of breast. Last evaluated: 2026-04-23. Review status: criteria provided, single submitter. Criteria: LabCorp Variant Classification Summary - May 2015. Collection method: clinical testing. Allele origin: germline.
Comment: Variant summary: The variant involves the deletion of exons 24-63 in the ATM gene. A presumed nomenclature of c.(3402+1_3403-1)_(*3595_?)del has been designated for the purposes of this classification. The exact breakpoint at the distal 3' end of this variant is unknown, therefore this deletion may extend downstream of the annotated region of the gene. As it encompasses the termination codon, it is predicted to escape nonsense mediated decay (NMD). Loss-of-function variants in this gene are known to be pathogenic. A deletion (size ~91.3 kb) encompassing exons 24-63 was found at a frequency of 8.3e-06 in 120780 control chromosomes in the gnomAD database (Structural Variants v4.1 dataset). To our knowledge, no occurrence of c.(3402+1_3403-1)_(*3595_?)del in individuals affected with ATM-related conditions and no experimental evidence demonstrating its impact on protein function have been reported. However, this variant deletes a large part of the ATM protein including the catalytic domain (IPR000403), and several missense changes in the deleted region have been reported in affected individuals (HGMD) and are classified as Pathogenic by our lab. ClinVar contains an entries for similar variants (e.g. Variation ID: 3244472). Based on the evidence outlined above, the variant was classified as pathogenic.